The following is an entry in ClinVar:

ClinVar aggregate classification (germline): Likely pathogenic. Review status: criteria provided, single submitter (1 of 4 stars). 2 submissions from 2 submitters: Likely pathogenic (1). 1 of the submissions does not count toward it. Last evaluated 2023-05-24.

Conditions:
Glycogen storage disease, type VI (GSD6). Also called: Glycogen storage disease type 6; Hepatic glycogen phosphorylase deficiency; Glycogen storage disease type 6, due to phosphorylation; GSD VI; HERS DISEASE; PHOSPHORYLASE DEFICIENCY GLYCOGEN-STORAGE DISEASE OF LIVER. Identifiers: Orphanet 369, MedGen C0017925, MONDO:0009294, OMIM 232700.

Allele frequency attached by ClinVar (database versions not stated): TOPMed below 0.00001; gnomAD 0.00001; gnomAD exomes 0.00001.
gnomAD v4.1: 11 of 1,614,006 alleles (0.00068%); highest among the groups gnomAD compares: East Asian, 0.0045%; no homozygotes.

Submissions (2):

Women's Health and Genetics/Laboratory Corporation of America, LabCorp
Classification: Likely pathogenic for Glycogen storage disease, type VI. Last evaluated: 2023-05-24. Review status: criteria provided, single submitter. Criteria: LabCorp Variant Classification Summary - May 2015. Collection method: clinical testing. Allele origin: germline.
Comment: Variant summary: PYGL c.2024C>T (p.Ser675Leu) results in a non-conservative amino acid change located in the pyridoxal-phosphate attachment site (amino acids 673-685; IPR035090) of the encoded protein sequence. Five of five in-silico tools predict a damaging effect of the variant on protein function. The variant allele was found at a frequency of 4e-06 in 251462 control chromosomes (gnomAD). The available data on variant occurrences in the general population are insufficient to allow any conclusion about variant significance. c.2024C>T has been reported in the literature in multiple compound heterozygous individuals, including two siblings, affected with Glycogen storage disease, type VI (e.g., Beaucham_2007, Davit-Spraul_2011, Luo_2022). These data indicate that the variant is likely to be associated with disease. To our knowledge, no experimental evidence demonstrating an impact on protein function has been reported. However, several studies note that the variant is expected to disrupt hydrogen bonding in the active site and therefore is predicted to disrupt enzyme activity (e.g., Beauchamp_2007, Liu_2020). The following publications have been ascertained in the context of this evaluation (PMID: 17705025, 21646031, 35143115, 32961316). No clinical diagnostic laboratories have submitted clinical-significance assessments for this variant to ClinVar after 2014. Based on the evidence outlined above, the variant was classified as likely pathogenic.

GeneReviews
No classification provided. Condition: Glycogen storage disease, type VI. Review status: no classification provided. Collection method: literature only. Allele origin: unknown. Not counted in ClinVar's aggregate classification.

Literature cited by the submitters: PubMed 21646031 (cited by Women's Health and Genetics/Laboratory Corporation of America, LabCorp); PubMed 17705025 (cited by Women's Health and Genetics/Laboratory Corporation of America, LabCorp and GeneReviews); PubMed 32961316 (cited by Women's Health and Genetics/Laboratory Corporation of America, LabCorp); PubMed 35143115 (cited by Women's Health and Genetics/Laboratory Corporation of America, LabCorp); PubMed 20301760 (cited by GeneReviews); NCBI Bookshelf NBK5941 (cited by GeneReviews).

NM_002863.5(PYGL):c.2024C>T (p.Ser675Leu)

Gene: PYGL (glycogen phosphorylase L; minus strand). Cytogenetic location: 14q22.1.
Variant type: single nucleotide variant.
Coding change: c.2024C>T on transcript NM_002863.5 (MANE Select); coding-DNA position 2024, C replaced by T.
Protein change: p.Ser675Leu; replaces serine 675 with leucine.
Molecular consequence: missense variant.
Genome position (GRCh38, 1-based): chr14:50,910,048, G>A on the plus strand (C>T on the coding strand, the complement: PYGL is on the minus strand). VCF-style: chr14-50910048-G-A. GRCh37 (hg19) VCF-style: chr14-51376766-G-A.
Other names: c.1922C>T, p.Ser641Leu (NM_001163940.2); c.2024C>T (NM_002863.4); short protein forms S675L, S641L.
Identifiers: ClinVar variation 21334 (VCV000021334.4), dbSNP rs113993986, ClinGen allele CA341916.